The following is an entry in ClinVar:

ClinVar aggregate classification (germline): Benign/Likely benign. Review status: criteria provided, multiple submitters, no conflicts (2 of 4 stars). 3 submissions from 3 submitters: Benign (1); Likely benign (2). Last evaluated 2025-12-23.

Conditions:
Hereditary cancer-predisposing syndrome. Also called: Tumor predisposition; Hereditary neoplastic syndrome; Neoplastic Syndromes, Hereditary; Hereditary Cancer Syndrome. Identifiers: Orphanet 140162, MedGen C0027672, MeSH D009386, MONDO:0015356.
Hereditary leiomyomatosis and renal cell cancer. Also called: Familial leiomyomatosis; MULTIPLE CUTANEOUS AND UTERINE LEIOMYOMATA 1, WITH OR WITHOUT RENAL CELL CARCINOMA; Multiple cutaneous leiomyomas; Reed syndrome; Multiple cutaneous and uterine leiomyomatosis; Cutaneous leiomyomata with uterine leiomyomata. Identifiers: Orphanet 523, MedGen C1708350, MONDO:0007888, OMIM 150800, HP:0007437. Disease mechanism: loss of function.

Allele frequency attached by ClinVar (database versions not stated): gnomAD exomes below 0.00001 and 0.00001; TOPMed below 0.00001.

Submissions (3):

Labcorp Genetics (formerly Invitae), Labcorp
Classification: Likely benign. Last evaluated: 2025-12-23. Review status: criteria provided, single submitter. Criteria: Invitae Variant Classification Sherloc (09022015). Collection method: clinical testing. Allele origin: germline.

Myriad Genetics, Inc.
Classification: Benign for Hereditary leiomyomatosis and renal cell cancer. Last evaluated: 2024-10-17. Review status: criteria provided, single submitter. Criteria: Myriad Autosomal Dominant, Autosomal Recessive and X-Linked Classification Criteria (2023). Collection method: clinical testing. Allele origin: unknown.
Comment: This variant is considered benign. This variant is a silent/synonymous amino acid change and it is not expected to impact splicing.

Ambry Genetics
Classification: Likely benign for Hereditary cancer-predisposing syndrome. Last evaluated: 2019-04-04. Review status: criteria provided, single submitter. Criteria: Ambry Variant Classification Scheme 2023. Collection method: clinical testing. Allele origin: germline.

NM_000143.4(FH):c.48G>T (p.Arg16=)

Gene: FH (fumarate hydratase; minus strand). Cytogenetic location: 1q43.
Variant type: single nucleotide variant.
Coding change: c.48G>T on transcript NM_000143.4 (MANE Select); coding-DNA position 48, G replaced by T.
Protein change: p.Arg16=; no amino-acid change (arginine 16 retained).
Molecular consequence: synonymous variant.
Genome position (GRCh38, 1-based): chr1:241,519,675, C>A on the plus strand (G>T on the coding strand, the complement: FH is on the minus strand). VCF-style: chr1-241519675-C-A. GRCh37 (hg19) VCF-style: chr1-241682975-C-A.
Identifiers: ClinVar variation 460358 (VCV000460358.14), dbSNP rs1468361143, ClinGen allele CA424076837.